The following is an entry in ClinVar:

ClinVar aggregate classification (germline): Uncertain significance (1 of 4 stars; one submission).

Submission:

GeneDx
Classification: Uncertain significance. Last evaluated: 2024-05-02. Review status: criteria provided, single submitter. Criteria: GeneDx Variant Classification Process June 2021. Collection method: clinical testing. Allele origin: germline. Affected: yes.
Comment: Not observed at significant frequency in large population cohorts (gnomAD); In silico analysis supports a deleterious effect on splicing; Has not been previously published as pathogenic or benign to our knowledge

NM_014847.4(UBAP2L):c.448+3A>G

Gene: UBAP2L (ubiquitin associated protein 2 like; plus strand). Cytogenetic location: 1q21.3.
Variant type: single nucleotide variant.
Coding change: c.448+3A>G on transcript NM_014847.4 (MANE Select); 3 bases into the intron after coding-DNA position 448, A replaced by G.
Molecular consequence: intron variant. On other transcripts: missense variant (5).
Genome position (GRCh38, 1-based): chr1:154,234,762, A>G. VCF-style: chr1-154234762-A-G. GRCh37 (hg19) VCF-style: chr1-154207238-A-G.
Other names: c.451A>G, p.Met151Val (NM_001287816.1, NM_001330730.1, NM_001375612.1 and 2 more transcripts); c.448+3A>G (NM_001127320.3, NM_001375623.1, NM_001375627.1 and 14 more transcripts); c.427+24A>G (NM_001287815.1); short protein forms M151V.
Identifiers: ClinVar variation 3375906 (VCV003375906.1).
Genomic context (GRCh38, chr1:154,234,762, plus strand): 5'-AGTCGGCGACGTGGTGGGCCACCAAGACGGGGGAGAGGTGCCAGCCGTGGACGAGAGTGT[A>G]TGCATGGGGCTTTATCAAAACCAGCTGTGGGTCAGTAATGTCTAGACTCTAGGGATGTGC-3'